The following is an entry in ClinVar:

NM_017852.5(NLRP2):c.398-2A>G

Gene: NLRP2 (NLR family pyrin domain containing 2; plus strand). Cytogenetic location: 19q13.42.
Variant type: single nucleotide variant.
Coding change: c.398-2A>G on transcript NM_017852.5 (MANE Select); the canonical splice acceptor site of the intron before coding-DNA position 398, A replaced by G.
Molecular consequence: splice acceptor variant. On other transcripts: intron variant (2).
Genome position (GRCh38, 1-based): chr19:54,981,615, A>G. VCF-style: chr19-54981615-A-G. GRCh37 (hg19) VCF-style: chr19-55492983-A-G.
Other names: c.398-2A>G (NM_001174081.3); c.398-11A>G (NM_001348003.2); c.398-547A>G (NM_001174082.3); c.329-2A>G (NM_001174083.2).
Identifiers: ClinVar variation 4532579 (VCV004532579.1).

ClinVar aggregate classification (germline): Uncertain significance (1 of 4 stars; one submission).

Submission:

GeneDx
Classification: Uncertain significance. Last evaluated: 2025-05-30. Review status: criteria provided, single submitter. Criteria: GeneDx Variant Classification Process June 2021. Collection method: clinical testing. Allele origin: germline. Affected: yes.
Comment: Canonical splice site variant with an unclear effect on protein function; Not observed at significant frequency in large population cohorts (gnomAD); Has not been previously published as pathogenic or benign to our knowledge